The following is an entry in ClinVar:

ClinVar aggregate classification (germline): Likely pathogenic (1 of 4 stars; one submission).

Conditions:
Inborn genetic diseases. Identifiers: MedGen C0950123, MeSH D030342.

Submission:

Ambry Genetics
Classification: Likely pathogenic for Inborn genetic diseases. Last evaluated: 2023-09-13. Review status: criteria provided, single submitter. Criteria: Ambry Variant Classification Scheme 2023. Collection method: clinical testing. Allele origin: germline.
Comment: The c.8570T>G (p.L2857R) alteration is located in exon 27 (coding exon 27) of the KMT2A gene. This alteration results from a T to G substitution at nucleotide position 8570, causing the leucine (L) at amino acid position 2857 to be replaced by an arginine (R). This variant was not reported in population-based cohorts in the Genome Aggregation Database (gnomAD). This amino acid position is highly conserved in available vertebrate species. This alteration is predicted to be deleterious by in silico analysis. Based on the available evidence, this alteration is classified as likely pathogenic.

NM_001197104.2(KMT2A):c.8570T>G (p.Leu2857Arg)

Gene: KMT2A (lysine methyltransferase 2A; plus strand). Cytogenetic location: 11q23.3.
Variant type: single nucleotide variant.
Coding change: c.8570T>G on transcript NM_001197104.2 (MANE Select); coding-DNA position 8570, T replaced by G.
Protein change: p.Leu2857Arg; replaces leucine 2857 with arginine.
Molecular consequence: missense variant.
Genome position (GRCh38, 1-based): chr11:118,504,462, T>G. VCF-style: chr11-118504462-T-G. GRCh37 (hg19) VCF-style: chr11-118375177-T-G.
Other names: c.8660T>G, p.Leu2887Arg (NM_001412597.1); c.8561T>G, p.Leu2854Arg (NM_005933.4); short protein forms L2854R, L2857R, L2887R.
Identifiers: ClinVar variation 2301879 (VCV002301879.3), dbSNP rs1057520696, ClinGen allele CA382814783.